The following is an entry in ClinVar:

ClinVar aggregate classification (germline): Uncertain significance (0 of 4 stars; one submission).

Conditions:
GNAS-related disorder. Identifiers: MedGen CN380105.

Submission:

PreventionGenetics, part of Exact Sciences
Classification: Uncertain significance for GNAS-related condition. Last evaluated: 2024-08-13. Review status: no assertion criteria provided. Collection method: clinical testing. Allele origin: germline.
Comment: The GNAS c.685G>A variant is predicted to result in the amino acid substitution p.Asp229Asn. To our knowledge, this variant has not been reported in the literature. This variant is reported in 0.0062% of alleles in individuals of African descent in gnomAD. At this time, the clinical significance of this variant is uncertain due to the absence of conclusive functional and genetic evidence.

NM_000516.7(GNAS):c.685G>A (p.Asp229Asn)

Gene: GNAS (GNAS complex locus; plus strand). Cytogenetic location: 20q13.32.
Variant type: single nucleotide variant.
Coding change: c.685G>A on transcript NM_000516.7 (MANE Select); coding-DNA position 685, G replaced by A.
Protein change: p.Asp229Asn; replaces aspartic acid 229 with asparagine.
Molecular consequence: missense variant. On other transcripts: 3 prime UTR variant (2).
Genome position (GRCh38, 1-based): chr20:58,909,546, G>A. VCF-style: chr20-58909546-G-A. GRCh37 (hg19) VCF-style: chr20-57484601-G-A.
Other names: c.688G>A, p.Asp230Asn (NM_001077488.5); c.640G>A, p.Asp214Asn (NM_001077489.4); c.*546G>A (NM_001077490.3); c.508G>A, p.Asp170Asn (NM_001309840.2, NM_001309861.2); c.589G>A, p.Asp197Asn (NM_001410912.1); c.2569G>A, p.Asp857Asn (NM_001410913.1); c.*591G>A (NM_016592.5); c.2614G>A, p.Asp872Asn (NM_080425.4); and 1 more; short protein forms D170N, D197N, D214N, D215N, D229N, D230N, D857N, D872N.
Identifiers: ClinVar variation 3350708 (VCV003350708.1).